The following is an entry in ClinVar:

NM_002386.4(MC1R):c.75G>T (p.Gly25=)

Gene: MC1R (melanocortin 1 receptor; plus strand). Cytogenetic location: 16q24.3.
Variant type: single nucleotide variant.
Coding change: c.75G>T on transcript NM_002386.4 (MANE Select); coding-DNA position 75, G replaced by T.
Protein change: p.Gly25=; no amino-acid change (glycine 25 retained).
Molecular consequence: synonymous variant.
Genome position (GRCh38, 1-based): chr16:89,919,333, G>T. VCF-style: chr16-89919333-G-T. GRCh37 (hg19) VCF-style: chr16-89985741-G-T.
Other names: c.75G>T (NM_002386.3).
Identifiers: ClinVar variation 2888585 (VCV002888585.4), dbSNP rs371618933, ClinGen allele CA8255477.

ClinVar aggregate classification (germline): Conflicting classifications of pathogenicity. Review status: criteria provided, conflicting classifications (1 of 4 stars). 2 submissions from 2 submitters: Uncertain significance (1); Likely benign (1). Last evaluated 2024-11-25.

Conditions:
Melanoma, cutaneous malignant, susceptibility to, 5. Also called: Cutaneous malignant melanoma 5. Identifiers: Orphanet 618, MedGen C2751295, MONDO:0013133, OMIM 613099.

Allele frequency attached by ClinVar (database versions not stated): gnomAD 0.00001; gnomAD exomes 0.00001; TOPMed 0.00001; ExAC 0.00002; ESP Exome Variant Server 0.00008.
gnomAD v4.1: 5 of 1,612,498 alleles (0.00031%); highest among the groups gnomAD compares: Non-Finnish European, 0.00042%; no homozygotes.

Submissions (2):

Ambry Genetics
Classification: Likely benign. Last evaluated: 2024-11-25. Review status: criteria provided, single submitter. Criteria: Ambry Variant Classification Scheme 2023. Collection method: clinical testing. Allele origin: germline.

Labcorp Genetics (formerly Invitae), Labcorp
Classification: Uncertain significance for Melanoma, cutaneous malignant, susceptibility to, 5. Last evaluated: 2024-01-24. Review status: criteria provided, single submitter. Criteria: Invitae Variant Classification Sherloc (09022015). Collection method: clinical testing. Allele origin: germline.
Comment: This sequence change affects codon 25 of the MC1R mRNA. It is a 'silent' change, meaning that it does not change the encoded amino acid sequence of the MC1R protein. This variant is present in population databases (rs371618933, gnomAD 0.002%). This variant has not been reported in the literature in individuals affected with MC1R-related conditions. In summary, the available evidence is currently insufficient to determine the role of this variant in disease. Therefore, it has been classified as a Variant of Uncertain Significance.